The following is an entry in ClinVar:

ClinVar aggregate classification (germline): Uncertain significance. Review status: criteria provided, multiple submitters, no conflicts (2 of 4 stars). 2 submissions from 2 submitters: Uncertain significance (2). Last evaluated 2022-10-18.

Conditions:
Peroxisome biogenesis disorder 7A (Zellweger). Also called: Peroxisome biogenesis disorder 7A. Identifiers: Orphanet 912, MedGen C3888385, MONDO:0013938, OMIM 614872.
Peroxisome biogenesis disorder 7B (PBD7B). Identifiers: Orphanet 44, MedGen C3553951, MONDO:0013939, OMIM 614873.

Allele frequency attached by ClinVar (database versions not stated): gnomAD 0.00002; TOPMed 0.00005; gnomAD exomes 0.00007; ExAC 0.00013.

Submissions (2):

Labcorp Genetics (formerly Invitae), Labcorp
Classification: Uncertain significance for Peroxisome biogenesis disorder 7A (Zellweger); Peroxisome biogenesis disorder 7B. Last evaluated: 2022-10-18. Review status: criteria provided, single submitter. Criteria: Invitae Variant Classification Sherloc (09022015). Collection method: clinical testing. Allele origin: germline.
Comment: This sequence change replaces serine, which is neutral and polar, with phenylalanine, which is neutral and non-polar, at codon 8 of the PEX26 protein (p.Ser8Phe). This variant is present in population databases (rs749146718, gnomAD 0.03%). This variant has not been reported in the literature in individuals affected with PEX26-related conditions. ClinVar contains an entry for this variant (Variation ID: 958385). Algorithms developed to predict the effect of missense changes on protein structure and function are either unavailable or do not agree on the potential impact of this missense change (SIFT: "Deleterious"; PolyPhen-2: "Benign"; Align-GVGD: "Class C15"). Algorithms developed to predict the effect of sequence changes on RNA splicing suggest that this variant may create or strengthen a splice site. In summary, the available evidence is currently insufficient to determine the role of this variant in disease. Therefore, it has been classified as a Variant of Uncertain Significance.

Blueprint Genetics
Classification: Uncertain significance. Last evaluated: 2021-09-27. Review status: criteria provided, single submitter. Criteria: ACMG Guidelines, 2015. Collection method: clinical testing. Allele origin: germline.

NM_001127649.3(PEX26):c.23C>T (p.Ser8Phe)

Genes: PEX26 (peroxisomal biogenesis factor 26; plus strand), LOC130066940 (ATAC-STARR-seq lymphoblastoid silent region 13448; plus strand). Cytogenetic location: 22q11.21.
Variant type: single nucleotide variant.
Coding change: c.23C>T on transcript NM_001127649.3 (MANE Select); coding-DNA position 23, C replaced by T.
Protein change: p.Ser8Phe; replaces serine 8 with phenylalanine.
Molecular consequence: missense variant.
Genome position (GRCh38, 1-based): chr22:18,078,399, C>T. VCF-style: chr22-18078399-C-T. GRCh37 (hg19) VCF-style: chr22-18561165-C-T.
Other names: c.23C>T, p.Ser8Phe (NM_001199319.2, NM_017929.6); short protein forms S8F.
Identifiers: ClinVar variation 958385 (VCV000958385.8), dbSNP rs749146718, ClinGen allele CA10093192.